The following is an entry in ClinVar:

ClinVar aggregate classification (germline): Likely pathogenic. Review status: criteria provided, multiple submitters, no conflicts (2 of 4 stars). 2 submissions from 2 submitters: Likely pathogenic (2). Last evaluated 2023-09-10.

Conditions:
Dyskeratosis congenita, autosomal dominant 2. Identifiers: MedGen C3151443, MONDO:0013521, OMIM 613989.
Idiopathic Pulmonary Fibrosis. Also called: Idiopathic fibrosing alveolitis, chronic form; idiopathic fibrosing alveolitis. Identifiers: Orphanet 2032, MedGen C1800706, MeSH D054990, MONDO:0800504.

Submissions (2):

Labcorp Genetics (formerly Invitae), Labcorp
Classification: Likely pathogenic for Dyskeratosis congenita, autosomal dominant 2; Idiopathic Pulmonary Fibrosis. Last evaluated: 2023-09-10. Review status: criteria provided, single submitter. Criteria: Invitae Variant Classification Sherloc (09022015). Collection method: clinical testing. Allele origin: germline.
Comment: In summary, the currently available evidence indicates that the variant is pathogenic, but additional data are needed to prove that conclusively. Therefore, this variant has been classified as Likely Pathogenic. Algorithms developed to predict the effect of sequence changes on RNA splicing suggest that this variant may disrupt the consensus splice site. ClinVar contains an entry for this variant (Variation ID: 1338417). This variant has not been reported in the literature in individuals affected with TERT-related conditions. This variant is not present in population databases (gnomAD no frequency). This sequence change affects a donor splice site in intron 14 of the TERT gene. It is expected to disrupt RNA splicing. Variants that disrupt the donor or acceptor splice site typically lead to a loss of protein function (PMID: 16199547), and loss-of-function variants in TERT are known to be pathogenic (PMID: 16247010, 17460043).

Genetic Services Laboratory, University of Chicago
Classification: Likely pathogenic. Last evaluated: 2018-06-21. Review status: criteria provided, single submitter. Criteria: ACMG Guidelines, 2015. Collection method: clinical testing. Allele origin: germline. Affected: yes.
Comment: DNA sequence analysis of the TERT gene demonstrated a sequence change located in the canonical splice donor site of intron 14, c.3157+1G>T. This sequence change does not appear to have been previously described in patients with TERT-related disorders and has also not been described as a known benign sequence change in the TERT gene. Based on in silico splice prediction programs, this sequence change likely affects normal splicing of the TERT gene, which would result in an abnormal protein, however functional studies have not been performed to prove this conclusively.

Literature cited by the submitters: PubMed 16199547 (cited by Labcorp Genetics (formerly Invitae), Labcorp); PubMed 16247010 (cited by Labcorp Genetics (formerly Invitae), Labcorp); PubMed 17460043 (cited by Labcorp Genetics (formerly Invitae), Labcorp).

NM_198253.3(TERT):c.3157+1G>T

Gene: TERT (telomerase reverse transcriptase; minus strand). Cytogenetic location: 5p15.33.
Variant type: single nucleotide variant.
Coding change: c.3157+1G>T on transcript NM_198253.3 (MANE Select); the canonical splice donor site of the intron after coding-DNA position 3157, G replaced by T.
Molecular consequence: splice donor variant.
Genome position (GRCh38, 1-based): chr5:1,255,286, C>A on the plus strand (G>T on the coding strand, the complement: TERT is on the minus strand). VCF-style: chr5-1255286-C-A. GRCh37 (hg19) VCF-style: chr5-1255401-C-A.
Other names: c.2968+1G>T (NM_001193376.3).
Identifiers: ClinVar variation 1338417 (VCV001338417.7), dbSNP rs2126562296, ClinGen allele CA359067985.
Genomic context (GRCh38, chr5:1,255,286, plus strand): 5'-CTGACACACTAACACCAGCAGGCAGGCACTGCTGCCACTGAGGCCAGGCACCTGCACATA[C>A]CTGCGTTCTTGGCTTTCAGGATGGAGTAGCAGAGGGAGGCCGTGTCAGAGATGACGCGCA-3'